The following is an entry in ClinVar:

NM_001048174.2(MUTYH):c.916C>G (p.Pro306Ala)

Gene: MUTYH (mutY DNA glycosylase; minus strand). Cytogenetic location: 1p34.1.
Variant type: single nucleotide variant.
Coding change: c.916C>G on transcript NM_001048174.2 (MANE Select); coding-DNA position 916, C replaced by G.
Protein change: p.Pro306Ala; replaces proline 306 with alanine.
Molecular consequence: missense variant. On other transcripts: non-coding transcript variant (2).
Genome position (GRCh38, 1-based): chr1:45,331,847, G>C on the plus strand (C>G on the coding strand, the complement: MUTYH is on the minus strand). VCF-style: chr1-45331847-G-C. GRCh37 (hg19) VCF-style: chr1-45797519-G-C.
Other names: c.916C>G, p.Pro306Ala (NM_001048171.2, NM_001048173.2, NM_001293195.2); c.919C>G, p.Pro307Ala (NM_001048172.2); c.1000C>G, p.Pro334Ala (NM_001128425.2); c.961C>G, p.Pro321Ala (NM_001293190.2); c.949C>G, p.Pro317Ala (NM_001293191.2); c.640C>G, p.Pro214Ala (NM_001293192.2, NM_001293196.2); c.571C>G, p.Pro191Ala (NM_001350650.2, NM_001350651.2); c.991C>G, p.Pro331Ala (NM_012222.3); short protein forms P334A, P306A, P317A, P321A, P214A, P331A, P191A, P307A.
Identifiers: ClinVar variation 183823 (VCV000183823.38), dbSNP rs587778537, ClinGen allele CA011932.
Genomic context (GRCh38, chr1:45,331,847, plus strand): 5'-CCAGGGTCTGGTCCCAGGGCTCCGAGGGAGGCAGGCACAGGTGGCACTGTCCAGTGTTGG[G>C]AGCTGGGAACGGAGATCCCCGAACCCTACTCAAGCCAAGAGGGCTTTAGGGGCCAACCTA-3'
Protein context (NP_001041639.1, residues 296-316): SGSPDVEECA[Pro306Ala]NTGQCHLCLP

ClinVar aggregate classification (germline): Conflicting classifications of pathogenicity. Review status: criteria provided, conflicting classifications (1 of 4 stars). 13 submissions from 13 submitters: Uncertain significance (12); Likely benign (1). Last evaluated 2026-08-06.

Conditions:
Gastric cancer. Also called: Stomach cancer; Malignant tumor of stomach. Identifiers: MedGen C0024623, MeSH D013274, MONDO:0001056, OMIM 613659, HP:0012126.
Hereditary cancer-predisposing syndrome. Also called: Tumor predisposition; Hereditary neoplastic syndrome; Neoplastic Syndromes, Hereditary; Hereditary Cancer Syndrome. Identifiers: Orphanet 140162, MedGen C0027672, MeSH D009386, MONDO:0015356.
Familial adenomatous polyposis 2. Also called: COLORECTAL ADENOMATOUS POLYPOSIS, AUTOSOMAL RECESSIVE; FAP type 2; MUTYH-related attenuated familial adenomatous polyposis; MYH-associated polyposis; MUTYH Polyposis; MUTYH-associated polyposis. Identifiers: Orphanet 220460, Orphanet 247798, MedGen C3272841, MONDO:0012041, OMIM 608456.
Pilomatrixoma (PTR). Also called: Pilomatricoma, somatic; PILOMATRICOMA; EPITHELIOMA CALCIFICANS OF MALHERBE. Identifiers: Orphanet 91414, MedGen C0206711, MeSH D018296, MONDO:0007564, OMIM 132600, HP:0030434.
Neoplasm of stomach. Also called: Stomach Neoplasms; Gastric neoplasm; Neoplasm of the stomach. Identifiers: MedGen C0038356, MONDO:0021085, HP:0006753. Disease mechanism: gain of function. Inheritance: Somatic mutation.

Allele frequency attached by ClinVar (database versions not stated): gnomAD 0.00002; TOPMed 0.00002.
gnomAD v4.1: 28 of 1,601,924 alleles (0.0017%); highest among the groups gnomAD compares: Admixed American, 0.0052%; no homozygotes.

Submissions (13):

OLLIN Analises Genomicas, OLLIN
Classification: Uncertain significance for Gastric cancer. Last evaluated: 2026-08-06. Review status: criteria provided, single submitter. Criteria: ACMG Guidelines 2015 PMID 25741868. Collection method: clinical testing. Allele origin: germline. Inheritance: Autosomal recessive inheritance.
Comment: This missense variant, located in exon 12 (of 16), has been reported in ClinVar (accession VCV000134861.32) and in gnomAD with an allele frequency of 0.0017%. However, to our knowledge, it has not been reported in the scientific literature. In silico analysis predicts that this variant has a tolerated effect. According to the currently available evidence, this variant has been classified as uncertain significance (PM2_P, BP4_M).

Labcorp Genetics (formerly Invitae), Labcorp
Classification: Uncertain significance for Familial adenomatous polyposis 2. Last evaluated: 2025-12-23. Review status: criteria provided, single submitter. Criteria: Invitae Variant Classification Sherloc (09022015). Collection method: clinical testing. Allele origin: germline.
Comment: This sequence change replaces proline, which is neutral and non-polar, with alanine, which is neutral and non-polar, at codon 334 of the MUTYH protein (p.Pro334Ala). This variant is present in population databases (rs587778537, gnomAD 0.006%). This missense change has been observed in individual(s) with multiple adenomatous and serrated polyps (PMID: 24470512). ClinVar contains an entry for this variant (Variation ID: 183823). An algorithm developed to predict the effect of missense changes on protein structure and function (PolyPhen-2) suggests that this variant is likely to be tolerated. In summary, the available evidence is currently insufficient to determine the role of this variant in disease. Therefore, it has been classified as a Variant of Uncertain Significance.

GeneDx
Classification: Uncertain significance. Last evaluated: 2025-09-16. Review status: criteria provided, single submitter. Criteria: GeneDx Variant Classification Process June 2021. Collection method: clinical testing. Allele origin: germline.
Comment: Not observed at significant frequency in large population cohorts (gnomAD); In silico analysis suggests that this missense variant does not alter protein structure/function; This variant is associated with the following publications: (PMID: 28135145, 28944238, 29641532, 16879101, 20816984, 24470512, 33471991)

Ambry Genetics
Classification: Likely benign for Hereditary cancer-predisposing syndrome. Last evaluated: 2025-08-18. Review status: criteria provided, single submitter. Criteria: Ambry Variant Classification Scheme 2023. Collection method: clinical testing. Allele origin: germline.

Quest Diagnostics Nichols Institute San Juan Capistrano
Classification: Uncertain significance. Last evaluated: 2025-08-07. Review status: criteria provided, single submitter. Criteria: Quest Diagnostics criteria. Collection method: clinical testing. Allele origin: unknown.
Comment: The MUTYH c.1000C>G (p.Pro334Ala) variant has been reported in the published literature in an individual with colorectal cancer (PMID: 28944238 (2017)) and colonic polyps (PMID: 24470512 (2014)), as well as an individual without cancer (PMID: 29641532 (2018)). An additional large-scale case-control study, this variant was observed in individuals with breast cancer as well as in reportedly healthy individuals (PMIDs: 36243179 (2022), 33471991 (2021), see also LOVD). The frequency of this variant in the general population (Genome Aggregation Database) is uninformative in the assessment of its pathogenicity. Analysis of this variant using bioinformatics tools for the prediction of the effect of amino acid changes on protein structure and function yielded predictions that this variant is benign. Based on the available information, we are unable to determine the clinical significance of this variant.

All of Us Research Program, National Institutes of Health
Classification: Uncertain significance for Familial adenomatous polyposis 2. Last evaluated: 2024-01-11. Review status: criteria provided, single submitter. Criteria: ACMG Guidelines, 2015. Collection method: clinical testing. Allele origin: germline. Inheritance: Autosomal recessive inheritance. Observed: 4 variant alleles, 4 heterozygotes.
Comment: This missense variant replaces proline with alanine at codon 334 of the MUTYH protein. Computational prediction suggests that this variant may not impact protein structure and function (internally defined REVEL score threshold <= 0.5, PMID: 27666373). To our knowledge, functional studies have not been reported for this variant. This variant has been reported in an individual affected with multiple adenomatous and serrated polyps (PMID: 24470512). In a large international case-control study, this variant was reported in 5/60466 breast cancer cases and 5/53461 controls (PMID: 33471991). This variant has been identified in 3/228910 chromosomes in the general population by the Genome Aggregation Database (gnomAD). The available evidence is insufficient to determine the role of this variant in disease conclusively. Therefore, this variant is classified as a Variant of Uncertain Significance.

This study involves interpretation of variants in research participants for the purpose of population health screening. Participant phenotype was not available at the time of variant classification. Additional details can be found in publication PMID: 35346344, PMCID: PMC8962531

Color Diagnostics, LLC DBA Color Health
Classification: Uncertain significance for Hereditary cancer-predisposing syndrome. Last evaluated: 2023-03-16. Review status: criteria provided, single submitter. Criteria: ACMG Guidelines, 2015. Collection method: clinical testing. Allele origin: germline.
Comment: This missense variant replaces proline with alanine at codon 334 of the MUTYH protein. Computational prediction suggests that this variant may not impact protein structure and function (internally defined REVEL score threshold <= 0.5, PMID: 27666373). To our knowledge, functional studies have not been reported for this variant. This variant has been reported in an individual affected with multiple adenomatous and serrated polyps (PMID: 24470512). In a large international case-control study, this variant was reported in 5/60466 breast cancer cases and 5/53461 controls (PMID: 33471991). This variant has been identified in 3/228910 chromosomes in the general population by the Genome Aggregation Database (gnomAD). The available evidence is insufficient to determine the role of this variant in disease conclusively. Therefore, this variant is classified as a Variant of Uncertain Significance.

MGZ Medical Genetics Center
Classification: Uncertain significance for Familial adenomatous polyposis 2. Last evaluated: 2022-07-20. Review status: criteria provided, single submitter. Criteria: ACMG Guidelines, 2015. Collection method: clinical testing. Allele origin: germline. Affected: yes. Observed: 1 variant allele.
Comment: ACMG criteria applied: PS4_SUP, PM2_SUP, BP4

Institute for Clinical Genetics, University Hospital TU Dresden, University Hospital TU Dresden
Classification: Uncertain significance. Last evaluated: 2021-11-03. Review status: criteria provided, single submitter. Criteria: ACMG Guidelines, 2015. Collection method: clinical testing. Allele origin: germline.

Sema4
Classification: Uncertain significance for Hereditary cancer-predisposing syndrome. Last evaluated: 2021-09-30. Review status: criteria provided, single submitter. Criteria: Sema4 Curation Guidelines. Collection method: curation. Allele origin: germline.
Comment: The MUTYH c.1000C>G (p.P334A) variant has been reported in heterozygosity in two individuals with colorectal polyps and/or colorectal cancer (PMID: 24470512, 28135145). This variant has also been reported in 5/60466 breast cancer cases and 5/53461 healthy controls by a large case-control study (PMID: 33471991). It is also known as c.958C>G (p.P320A) in the literature. It was observed in 2/32216 chromosomes of the Latino subpopulation in the large and broad cohorts of the Genome Aggregation Database (PMID: 32461654). The variant has been reported in ClinVar (Variation ID: 183823). In silico tools suggest the impact of the variant on protein function is benign, though these predictions have not been confirmed by functional studies. The evidence is insufficient to meet ACMG/AMP criteria for classifying the variant as benign or pathogenic. Thus, the clinical significance of this variant is currently uncertain.

Revvity Omics, Revvity
Classification: Uncertain significance for Familial adenomatous polyposis 2. Last evaluated: 2019-06-20. Review status: criteria provided, single submitter. Criteria: ACMG Guidelines, 2015. Collection method: clinical testing. Allele origin: germline.

Fulgent Genetics
Classification: Uncertain significance for Pilomatrixoma; Familial adenomatous polyposis 2; Gastric cancer. Last evaluated: 2018-10-31. Review status: criteria provided, single submitter. Criteria: ACMG Guidelines, 2015. Collection method: clinical testing. Allele origin: unknown.

Women's Health and Genetics/Laboratory Corporation of America, LabCorp
Classification: Uncertain significance. Last evaluated: 2018-03-30. Review status: criteria provided, single submitter. Criteria: LabCorp Variant Classification Summary - May 2015. Collection method: clinical testing. Allele origin: germline.
Comment: Variant summary: MUTYH c.1000C>G (p.Pro334Ala) results in a non-conservative amino acid change in the encoded protein sequence that lies 3 nucleotides away from an exon-intron junction. Four of five in-silico tools predict a benign effect of the variant on protein function. 4/5 computational tools predict no significant impact on normal splicing. However, these predictions have yet to be confirmed by functional studies. The variant allele was found at a frequency of 1.3e-05 in 224868 control chromosomes. This frequency is not higher than expected for a pathogenic variant in MUTYH causing MUTYH-associated Polyposis (1.3e-05 vs 0.0046), allowing no conclusion about variant significance. c.1000C>G has been reported in the literature in individuals affected with MUTYH-associated Polyposis. However, these reports do not provide unequivocal conclusions about an association of the variant with MUTYH-associated Polyposis. To our knowledge, no experimental evidence demonstrating an impact on protein function has been reported. Two clinical diagnostic laboratories have submitted clinical-significance assessments for this variant to ClinVar after 2014, and both classified the variant as uncertain significance. Based on the evidence outlined above, the variant was classified as uncertain significance.

Literature cited by the submitters: PubMed 24470512 (cited by 7 submitters); PubMed 28944238 (cited by Ambry Genetics and Quest Diagnostics Nichols Institute San Juan Capistrano); PubMed 29641532 (cited by Ambry Genetics and Quest Diagnostics Nichols Institute San Juan Capistrano); PubMed 33471991 (cited by 5 submitters); PubMed 40738107 (cited by Ambry Genetics); PubMed 28135145 (cited by Sema4 and Women's Health and Genetics/Laboratory Corporation of America, LabCorp).